The following is an entry in ClinVar:

ClinVar aggregate classification (germline): Uncertain significance. Review status: criteria provided, multiple submitters, no conflicts (2 of 4 stars). 2 submissions from 2 submitters: Uncertain significance (2). Last evaluated 2020-07-12.

Conditions:
Autosomal recessive distal spinal muscular atrophy 1. Also called: NEURONOPATHY, DISTAL HEREDITARY MOTOR, HARDING TYPE VI; NEUROPATHY, DISTAL HEREDITARY MOTOR, AUTOSOMAL RECESSIVE 1; HMN VI; NEURONOPATHY, SEVERE INFANTILE AXONAL, WITH RESPIRATORY FAILURE; SEVERE INFANTILE AXONAL NEUROPATHY WITH RESPIRATORY FAILURE; SPINAL MUSCULAR ATROPHY, DIAPHRAGMATIC. Identifiers: Orphanet 98920, MedGen C1858517, MONDO:0011436, OMIM 604320.
Charcot-Marie-Tooth disease axonal type 2S. Also called: CHARCOT-MARIE-TOOTH NEUROPATHY, TYPE 2S; CHARCOT-MARIE-TOOTH DISEASE, AXONAL, AUTOSOMAL RECESSIVE, TYPE 2S. Identifiers: Orphanet 443073, MedGen C4015349, MONDO:0014511, OMIM 616155.

Submissions (2):

Labcorp Genetics (formerly Invitae), Labcorp
Classification: Uncertain significance for Autosomal recessive distal spinal muscular atrophy 1; Charcot-Marie-Tooth disease axonal type 2S. Last evaluated: 2020-07-12. Review status: criteria provided, single submitter. Criteria: Invitae Variant Classification Sherloc (09022015). Collection method: clinical testing. Allele origin: germline.
Comment: In summary, the available evidence is currently insufficient to determine the role of this variant in disease. Therefore, it has been classified as a Variant of Uncertain Significance. Algorithms developed to predict the effect of missense changes on protein structure and function are either unavailable or do not agree on the potential impact of this missense change (SIFT: "Tolerated"; PolyPhen-2: "Probably Damaging"; Align-GVGD: "Class C0"). This variant has not been reported in the literature in individuals with IGHMBP2-related conditions. This variant is not present in population databases (ExAC no frequency). This sequence change replaces isoleucine with threonine at codon 296 of the IGHMBP2 protein (p.Ile296Thr). The isoleucine residue is moderately conserved and there is a moderate physicochemical difference between isoleucine and threonine.

Illumina Laboratory Services, Illumina
Classification: Uncertain significance for Autosomal recessive distal spinal muscular atrophy 1. Last evaluated: 2018-01-13. Review status: criteria provided, single submitter. Criteria: ICSL Variant Classification Criteria 13 December 2019. Collection method: clinical testing. Allele origin: germline.

NM_002180.3(IGHMBP2):c.887T>C (p.Ile296Thr)

Gene: IGHMBP2 (immunoglobulin mu DNA binding protein 2; plus strand). Cytogenetic location: 11q13.3.
Variant type: single nucleotide variant.
Coding change: c.887T>C on transcript NM_002180.3 (MANE Select); coding-DNA position 887, T replaced by C.
Protein change: p.Ile296Thr; replaces isoleucine 296 with threonine.
Molecular consequence: missense variant.
Genome position (GRCh38, 1-based): chr11:68,914,998, T>C. VCF-style: chr11-68914998-T-C. GRCh37 (hg19) VCF-style: chr11-68682466-T-C.
Other names: short protein forms I296T.
Identifiers: ClinVar variation 883339 (VCV000883339.12), dbSNP rs375554721, ClinGen allele CA381644561.